The following is an entry in ClinVar:

ClinVar aggregate classification (germline): Pathogenic (1 of 4 stars; one submission).

Conditions:
Polycystic kidney disease 4 (PKD4). Also called: POLYCYSTIC KIDNEY DISEASE 4 WITH OR WITHOUT POLYCYSTIC LIVER DISEASE; Autosomal Recessive Polycystic Kidney Disease – PKHD1; POLYCYSTIC KIDNEY AND HEPATIC DISEASE 1; POLYCYSTIC KIDNEY DISEASE, INFANTILE, TYPE I; PKD3. Identifiers: MedGen C4540575, MONDO:0033004, OMIM 263200.

Submission:

Juno Genomics, Hangzhou Juno Genomics, Inc
Classification: Pathogenic for Polycystic kidney disease 4. Review status: criteria provided, single submitter. Criteria: ACMG Guidelines, 2015. Collection method: clinical testing. Allele origin: germline. Affected: yes.
Comment: Absent from controls (or at extremely low frequency if recessive) in Genome Aggregation Database, Exome Sequencing Project, 1000 Genomes Project, or Exome Aggregation Consortium.;Null variant in a gene where loss of function (LOF) is a known mechanism of disease.;Patient's phenotype or family history is highly specific for a disease with a single genetic etiology.

NM_138694.4(PKHD1):c.10976del (p.Ile3658_Ser3659insTer)

Gene: PKHD1 (PKHD1 ciliary IPT domain containing fibrocystin/polyductin; minus strand). Cytogenetic location: 6p12.3.
Variant type: Deletion.
Coding change: c.10976del on transcript NM_138694.4 (MANE Select); coding-DNA position 10976, one base deleted (C; older notation c.10976delC).
Protein change: p.Ile3658_Ser3659insTer.
Molecular consequence: nonsense.
Genome position (GRCh38, 1-based): chr6:51,659,150, G deleted on the plus strand (C on the coding strand, the reverse complement: PKHD1 is on the minus strand). VCF-style (leftmost placement, unchanged base first): chr6-51659149-TG-T. GRCh37 (hg19) VCF-style: chr6-51523947-TG-T.
Identifiers: ClinVar variation 3899367 (VCV003899367.2).